The following is an entry in ClinVar:

NM_006254.4(PRKCD):c.890G>A (p.Arg297Lys)

Gene: PRKCD (protein kinase C delta; plus strand). Cytogenetic location: 3p21.1.
Variant type: single nucleotide variant.
Coding change: c.890G>A on transcript NM_006254.4 (MANE Select); coding-DNA position 890, G replaced by A.
Protein change: p.Arg297Lys; replaces arginine 297 with lysine.
Molecular consequence: missense variant.
Genome position (GRCh38, 1-based): chr3:53,185,605, G>A. VCF-style: chr3-53185605-G-A. GRCh37 (hg19) VCF-style: chr3-53219621-G-A.
Other names: c.890G>A, p.Arg297Lys (NM_001316327.2, NM_001354679.2, NM_001354680.2 and 2 more transcripts); c.947G>A, p.Arg316Lys (NM_001354676.2); c.938G>A, p.Arg313Lys (NM_001354678.2); short protein forms R297K, R316K, R313K.
Identifiers: ClinVar variation 474771 (VCV000474771.5), dbSNP rs782243565, ClinGen allele CA2452012.

ClinVar aggregate classification (germline): Uncertain significance (1 of 4 stars; one submission).

Conditions:
Autoimmune lymphoproliferative syndrome, type III caused by mutation in PRKCD. Identifiers: Orphanet 3261, Orphanet 664711, MedGen C3809928, MONDO:8000024, OMIM 615559.

Allele frequency attached by ClinVar (database versions not stated): ExAC 0.00002; gnomAD exomes 0.00001; gnomAD 0.00001.
gnomAD v4.1: 16 of 1,613,346 alleles (0.00099%); highest among the groups gnomAD compares: Non-Finnish European, 0.0013%; no homozygotes.

Submission:

Labcorp Genetics (formerly Invitae), Labcorp
Classification: Uncertain significance for Autoimmune lymphoproliferative syndrome, type III caused by mutation in PRKCD. Last evaluated: 2022-08-09. Review status: criteria provided, single submitter. Criteria: Invitae Variant Classification Sherloc (09022015). Collection method: clinical testing. Allele origin: germline.
Comment: This variant has not been reported in the literature in individuals affected with PRKCD-related conditions. ClinVar contains an entry for this variant (Variation ID: 474771). This sequence change replaces arginine, which is basic and polar, with lysine, which is basic and polar, at codon 297 of the PRKCD protein (p.Arg297Lys). This variant is present in population databases (rs782243565, gnomAD 0.003%). In summary, the available evidence is currently insufficient to determine the role of this variant in disease. Therefore, it has been classified as a Variant of Uncertain Significance. Algorithms developed to predict the effect of missense changes on protein structure and function output the following: SIFT: "Tolerated"; PolyPhen-2: "Benign"; Align-GVGD: "Class C0". The lysine amino acid residue is found in multiple mammalian species, which suggests that this missense change does not adversely affect protein function. Algorithms developed to predict the effect of sequence changes on RNA splicing suggest that this variant may create or strengthen a splice site.